The following is an entry in ClinVar:

NM_005560.6(LAMA5):c.7461C>T (p.Ala2487=)

Gene: LAMA5 (laminin subunit alpha 5; minus strand). Cytogenetic location: 20q13.33.
Variant type: single nucleotide variant.
Coding change: c.7461C>T on transcript NM_005560.6 (MANE Select); coding-DNA position 7461, C replaced by T.
Protein change: p.Ala2487=; no amino-acid change (alanine 2487 retained).
Molecular consequence: synonymous variant.
Genome position (GRCh38, 1-based): chr20:62,317,395, G>A on the plus strand (C>T on the coding strand, the complement: LAMA5 is on the minus strand). VCF-style: chr20-62317395-G-A. GRCh37 (hg19) VCF-style: chr20-60892451-G-A.
Identifiers: ClinVar variation 752301 (VCV000752301.5), dbSNP rs758018323, ClinGen allele CA9941228.
Genomic context (GRCh38, chr20:62,317,395, plus strand): 5'-GGCCACCCACCTGGACAGATTGAGTGCCAGCTGGCCCAGCTGCTGTGCGTGGGCCTCGGC[G>A]GCCTCCACTAGACGCAGCTTGCTGCCCGCCGGGGAGAAGGTCTGCATCCTCTGCAGCAGT-3'
Protein context (NP_005551.3, residues 2477-2497): PAGSKLRLVE[Ala2487=]AEAHAQQLGQ

ClinVar aggregate classification (germline): Likely benign. Review status: criteria provided, single submitter (1 of 4 stars). 2 submissions from 2 submitters: Likely benign (1). 1 of the submissions does not count toward it. Last evaluated 2018-06-11.

Conditions:
LAMA5-related disorder. Also called: LAMA5-Related Disorders; LAMA5-related condition.

Allele frequency attached by ClinVar (database versions not stated): TOPMed below 0.00001; gnomAD 0.00001; gnomAD exomes 0.00003; ExAC 0.00004.
gnomAD v4.1: 42 of 1,610,070 alleles (0.0026%); highest among the groups gnomAD compares: Middle Eastern, 0.017%; no homozygotes.

Submissions (2):

Labcorp Genetics (formerly Invitae), Labcorp
Classification: Likely benign. Last evaluated: 2018-06-11. Review status: criteria provided, single submitter. Criteria: Invitae Variant Classification Sherloc (09022015). Collection method: clinical testing. Allele origin: germline.

PreventionGenetics, part of Exact Sciences
Classification: Likely benign for LAMA5-related condition. Last evaluated: 2019-09-06. Review status: no assertion criteria provided. Collection method: clinical testing. Allele origin: germline. Not counted in ClinVar's aggregate classification.
Comment: This variant is classified as likely benign based on ACMG/AMP sequence variant interpretation guidelines (Richards et al. 2015 PMID: 25741868, with internal and published modifications).